The following is an entry in ClinVar:

ClinVar aggregate classification (germline): Pathogenic. Review status: criteria provided, multiple submitters, no conflicts (2 of 4 stars). 7 submissions from 7 submitters: Pathogenic (7). Last evaluated 2026-04-01.

Conditions:
Adult hypophosphatasia. Identifiers: Orphanet 247676, Orphanet 436, MedGen C0268413, MONDO:1010154, OMIM 146300, MONDO:0007798.
ALPL-related disorder. Also called: ALPL-related disorders; ALPL-related condition.
Hypophosphatasia. Also called: Phosphoethanol-aminuria. Identifiers: Orphanet 436, MedGen C0020630, MeSH D007014, MONDO:0018570.
Autosomal recessive ALPL-related disorders.

Submissions (7):

CeGaT Center for Human Genetics Tuebingen
Classification: Pathogenic. Last evaluated: 2026-04-01. Review status: criteria provided, single submitter. Criteria: CeGaT Center For Human Genetics Tuebingen Variant Classification Criteria Version 2. Collection method: clinical testing. Allele origin: germline. Affected: yes. Observed: 1 variant allele.
Comment: ALPL: PVS1, PM2:Supporting, PS4:Supporting

Labcorp Genetics (formerly Invitae), Labcorp
Classification: Pathogenic. Last evaluated: 2025-12-28. Review status: criteria provided, single submitter. Criteria: Invitae Variant Classification Sherloc (09022015). Collection method: clinical testing. Allele origin: germline.
Comment: This sequence change creates a premature translational stop signal (p.Gly221Valfs*56) in the ALPL gene. It is expected to result in an absent or disrupted protein product. Loss-of-function variants in ALPL are known to be pathogenic (PMID: 3174660, 10679946, 32973344, 33814268). This variant is present in population databases (rs769948289, gnomAD 0.0009%). This premature translational stop signal has been observed in individual(s) with hypophosphatasia (PMID: 12815606). ClinVar contains an entry for this variant (Variation ID: 996236). For these reasons, this variant has been classified as Pathogenic.

Variantyx, Inc.
Classification: Pathogenic for Autosomal recessive ALPL-related disorders. Last evaluated: 2025-11-22. Review status: criteria provided, single submitter. Criteria: Variantyx Assertion Criteria 2022. Collection method: clinical testing. Allele origin: germline. Inheritance: Autosomal recessive inheritance.
Comment: This is a frameshift variant in the ALPL gene (OMIM: 171760). Pathogenic variants in this gene have been associated with autosomal recessive ALPL-related disorders. This variant introduces a premature termination codon in exon 7 out of 12. It is expected to result in loss of function, which is a known disease mechanism for ALPL in this disorder (PMID: 10679946, 3174660, 32973344, 33814268) (PVS1). This variant has been identified in compound heterozygous state in many individuals reported in the published literature (PMID: 12815606, 12815606) (PM3_Supporting). This variant has a 0.0011% maximum allele frequency in non-founder control populations (PM2). Based on the current evidence, this variant is classified as pathogenic for autosomal recessive ALPL-related disorders.

Genomenon, Inc
Classification: Pathogenic for Hypophosphatasia. Last evaluated: 2025-08-29. Review status: criteria provided, single submitter. Criteria: Genomenon Sequence Variant Interpretation Standards. Collection method: curation. Allele origin: germline. Affected: yes.
Comment: ALPL p.Gly221ValfsTer56 (c.662del) is a frameshift variant that results in the production of a truncated protein which is predicted to undergo nonsense-mediated mRNA decay. This variant has been observed in at least one proband affected with hypophosphatasia (PMID:36361766;35878747;12815606). It is absent or not present at a significant frequency in gnomAD. In conclusion, we classify ALPL p.Gly221ValfsTer56 (c.662del) as a pathogenic variant.

PreventionGenetics, part of Exact Sciences
Classification: Pathogenic for ALPL-related condition. Last evaluated: 2025-06-03. Review status: criteria provided, single submitter. Criteria: ACMG Guidelines, 2015. Collection method: clinical testing. Allele origin: germline.
Comment: The ALPL c.662delG variant is predicted to result in a frameshift and premature protein termination (p.Gly221Valfs*56). This variant has been reported in the compound heterozygous state in individuals with hypophosphatasia (Spentchian et al. 2003. PubMed ID: 12815606; Glotov et al. 2022. PubMed ID: 36361766). This variant is reported in 0.0018% of alleles in individuals of European (Non-Finnish) descent in gnomAD. Frameshift variants in ALPL are expected to be pathogenic. This variant is interpreted as pathogenic.

Baylor Genetics
Classification: Pathogenic for Adult hypophosphatasia. Last evaluated: 2023-08-10. Review status: criteria provided, single submitter. Criteria: ACMG Guidelines, 2015. Collection method: clinical testing. Allele origin: unknown.

Women's Health and Genetics/Laboratory Corporation of America, LabCorp
Classification: Pathogenic for Hypophosphatasia. Last evaluated: 2023-08-10. Review status: criteria provided, single submitter. Criteria: LabCorp Variant Classification Summary - May 2015. Collection method: clinical testing. Allele origin: germline.
Comment: Variant summary: ALPL c.662delG (p.Gly221ValfsX56) results in a premature termination codon, predicted to cause absence of the protein due to nonsense mediated decay, a commonly known mechanism for disease. The variant allele was found at a frequency of 8e-06 in 251452 control chromosomes (gnomAD). c.662delG has been reported in the literature as a compound heterozygous genotype in at least three individuals affected with autosomal recessive Hypophosphatasia, including at least one case with perinatal onset (e.g. Spentchian_2003, Glotov_2022). These data indicate that the variant is likely associated with disease. To our knowledge, no experimental evidence demonstrating an impact on protein function has been reported. The following publications have been ascertained in the context of this evaluation (PMID: 33191482, 12815606, 36361766). One submitter has cited a clinical-significance assessment for this variant to ClinVar after 2014 and has classified the variant as pathogenic. Based on the evidence outlined above, the variant was classified as pathogenic.

Literature cited by the submitters: PubMed 3174660 (cited by Labcorp Genetics (formerly Invitae), Labcorp and Variantyx, Inc.); PubMed 10679946 (cited by Labcorp Genetics (formerly Invitae), Labcorp and Variantyx, Inc.); PubMed 32973344 (cited by Labcorp Genetics (formerly Invitae), Labcorp and Variantyx, Inc.); PubMed 33814268 (cited by Labcorp Genetics (formerly Invitae), Labcorp and Variantyx, Inc.); PubMed 12815606 (cited by 4 submitters); PubMed 36361766 (cited by Genomenon, Inc and Women's Health and Genetics/Laboratory Corporation of America, LabCorp); PubMed 35878747 (cited by Genomenon, Inc); PubMed 33191482 (cited by Women's Health and Genetics/Laboratory Corporation of America, LabCorp).

NM_000478.6(ALPL):c.662del (p.Gly221fs)

Gene: ALPL (alkaline phosphatase, biomineralization associated; plus strand). Cytogenetic location: 1p36.12.
Variant type: Deletion.
Coding change: c.662del on transcript NM_000478.6 (MANE Select); coding-DNA position 662, one base deleted (G; older notation c.662delG).
Protein change: p.Gly221fs; shifts the reading frame from glycine 221.
Molecular consequence: frameshift variant.
Genome position (GRCh38, 1-based): chr1:21,568,117, G deleted; the last of 6 consecutive G bases (chr1:21,568,112-21,568,117); deleting any one gives the same sequence. VCF-style (leftmost placement, unchanged base first): chr1-21568111-TG-T. GRCh37 (hg19) VCF-style: chr1-21894604-TG-T.
Other names: c.497del, p.Gly166fs (NM_001127501.4); c.431del, p.Gly144fs (NM_001177520.3); c.662del, p.Gly221fs (NM_001369803.2, NM_001369804.2, NM_001369805.2); short protein forms G144fs, G166fs, G221fs.
Identifiers: ClinVar variation 996236 (VCV000996236.14), dbSNP rs769948289, ClinGen allele CA666571.